The following is an entry in ClinVar:

ClinVar aggregate classification (germline): Uncertain significance. Review status: criteria provided, multiple submitters, no conflicts (2 of 4 stars). 2 submissions from 2 submitters: Uncertain significance (2). Last evaluated 2022-09-27.

Conditions:
Nephronophthisis. Also called: Juvenile Nephronophthisis. Identifiers: Orphanet 655, MedGen C0687120, MONDO:0019005, HP:0000090.
Infantile nephronophthisis (NPHP2). Also called: Nephronophthisis 2, infantile; Nephronophthisis 2. Identifiers: Orphanet 655, Orphanet 93591, MedGen C1865872, MONDO:0011190, OMIM 602088.

Allele frequency attached by ClinVar (database versions not stated): 1000 Genomes Project 30x 0.00031.
gnomAD v4.1: 18 of 1,613,660 alleles (0.0011%); highest among the groups gnomAD compares: Admixed American, 0.025%; 1 homozygote.

Submissions (2):

Labcorp Genetics (formerly Invitae), Labcorp
Classification: Uncertain significance for Nephronophthisis. Last evaluated: 2022-09-27. Review status: criteria provided, single submitter. Criteria: Invitae Variant Classification Sherloc (09022015). Collection method: clinical testing. Allele origin: germline.
Comment: This sequence change replaces leucine, which is neutral and non-polar, with phenylalanine, which is neutral and non-polar, at codon 40 of the INVS protein (p.Leu40Phe). This variant is present in population databases (rs148219510, gnomAD 0.04%), including at least one homozygous and/or hemizygous individual. This variant has not been reported in the literature in individuals affected with INVS-related conditions. ClinVar contains an entry for this variant (Variation ID: 963850). Algorithms developed to predict the effect of missense changes on protein structure and function are either unavailable or do not agree on the potential impact of this missense change (SIFT: "Deleterious"; PolyPhen-2: "Benign"; Align-GVGD: "Class C0"). In summary, the available evidence is currently insufficient to determine the role of this variant in disease. Therefore, it has been classified as a Variant of Uncertain Significance.

Fulgent Genetics
Classification: Uncertain significance for Infantile nephronophthisis. Last evaluated: 2022-05-10. Review status: criteria provided, single submitter. Criteria: ACMG Guidelines, 2015. Collection method: clinical testing. Allele origin: unknown.

NM_014425.5(INVS):c.118C>T (p.Leu40Phe)

Gene: INVS (inversin; plus strand). Cytogenetic location: 9q31.1.
Variant type: single nucleotide variant.
Coding change: c.118C>T on transcript NM_014425.5 (MANE Select); coding-DNA position 118, C replaced by T.
Protein change: p.Leu40Phe; replaces leucine 40 with phenylalanine.
Molecular consequence: missense variant. On other transcripts: 5 prime UTR variant (2), non-coding transcript variant (1).
Genome position (GRCh38, 1-based): chr9:100,126,394, C>T. VCF-style: chr9-100126394-C-T. GRCh37 (hg19) VCF-style: chr9-102888676-C-T.
Other names: c.-259C>T (NM_001318381.2); c.-872C>T (NM_001318382.2); short protein forms L40F.
Identifiers: ClinVar variation 963850 (VCV000963850.6), dbSNP rs148219510, ClinGen allele CA5158085.